The following is an entry in ClinVar:

NC_000022.10:g.(?_33670403)_(33679344_?)del

Gene: LARGE1 (LARGE xylosyl- and glucuronyltransferase 1; minus strand). Cytogenetic location: 22q12.3.
Variant type: Deletion.
Identifiers: ClinVar variation 1411276 (VCV001411276.9).

ClinVar aggregate classification (germline): Uncertain significance (1 of 4 stars; one submission).

Conditions:
Muscular dystrophy-dystroglycanopathy type B6 (MDDGB6). Also called: MUSCULAR DYSTROPHY-DYSTROGLYCANOPATHY (CONGENITAL WITH IMPAIRED INTELLECTUAL DEVELOPMENT), TYPE B, 6; MUSCULAR DYSTROPHY, CONGENITAL, LARGE-RELATED; MUSCULAR DYSTROPHY, CONGENITAL, TYPE 1D. Identifiers: MedGen C1837229, MONDO:0012138, OMIM 608840.

Submission:

Labcorp Genetics (formerly Invitae), Labcorp
Classification: Uncertain significance for Muscular dystrophy-dystroglycanopathy type B6. Last evaluated: 2022-08-23. Review status: criteria provided, single submitter. Criteria: Invitae Variant Classification Sherloc (09022015). Collection method: clinical testing. Allele origin: germline.
Comment: In summary, the available evidence is currently insufficient to determine the role of this variant in disease. Therefore, it has been classified as a Variant of Uncertain Significance. This variant has not been reported in the literature in individuals affected with LARGE1-related conditions. This variant is a gross deletion of the genomic region encompassing exon(s) 14-16 of the LARGE1 gene, which includes the termination codon. This deletion extends beyond the assayed region for this gene and therefore may encompass additional genes. While this deletion is not anticipated to lead to nonsense mediated decay, it is expected to alter mRNA translation or result in a truncated protein product.